The following is an entry in ClinVar:

ClinVar aggregate classification (germline): Benign. Review status: criteria provided, multiple submitters, no conflicts (2 of 4 stars). 3 submissions from 3 submitters: Benign (3). Last evaluated 2022-11-01.

Allele frequency attached by ClinVar (database versions not stated): 1000 Genomes Project 0.00319; 1000 Genomes Project 30x 0.00375; ExAC 0.00626; gnomAD exomes 0.00626 and 0.01005; TOPMed 0.00660; gnomAD 0.00693 and 0.00723; ESP Exome Variant Server 0.00900.
gnomAD v4.1: 15,626 of 1,614,222 alleles (0.97%); highest among the groups gnomAD compares: Non-Finnish European, 1.2%; 95 homozygotes.

Submissions (3):

CeGaT Center for Human Genetics Tuebingen
Classification: Benign. Last evaluated: 2022-11-01. Review status: criteria provided, single submitter. Criteria: CeGaT Center For Human Genetics Tuebingen Variant Classification Criteria Version 2. Collection method: clinical testing. Allele origin: germline. Affected: yes. Observed: 1 variant allele.
Comment: AKAP3: BP4, BP7, BS1, BS2

Labcorp Genetics (formerly Invitae), Labcorp
Classification: Benign. Last evaluated: 2018-03-05. Review status: criteria provided, single submitter. Criteria: Invitae Variant Classification Sherloc (09022015). Collection method: clinical testing. Allele origin: germline.

Breakthrough Genomics
Classification: Benign. Review status: criteria provided, single submitter. Criteria: ACMG Guidelines, 2015. Collection method: not provided. Allele origin: germline. Inheritance: Unknown mechanism. Affected: yes.

NM_001278309.2(AKAP3):c.2472G>A (p.Val824=)

Gene: AKAP3 (A-kinase anchoring protein 3; minus strand). Cytogenetic location: 12p13.32.
Variant type: single nucleotide variant.
Coding change: c.2472G>A on transcript NM_001278309.2 (MANE Select); coding-DNA position 2472, G replaced by A.
Protein change: p.Val824=; no amino-acid change (valine 824 retained).
Molecular consequence: synonymous variant.
Genome position (GRCh38, 1-based): chr12:4,615,829, C>T on the plus strand (G>A on the coding strand, the complement: AKAP3 is on the minus strand). VCF-style: chr12-4615829-C-T. GRCh37 (hg19) VCF-style: chr12-4724995-C-T.
Other names: c.2472G>A, p.Val824= (NM_006422.4).
Identifiers: ClinVar variation 720004 (VCV000720004.28), dbSNP rs34215645, ClinGen allele CA6397456.